The following is an entry in ClinVar:

NM_000206.3(IL2RG):c.116-1G>A

Genes: IL2RG (interleukin 2 receptor subunit gamma; minus strand), LOC126863274 (MED14-independent group 3 enhancer GRCh37_chrX:70330888-70332087; plus strand). Cytogenetic location: Xq13.1.
Variant type: single nucleotide variant.
Coding change: c.116-1G>A on transcript NM_000206.3 (MANE Select); the canonical splice acceptor site of the intron before coding-DNA position 116, G replaced by A.
Molecular consequence: splice acceptor variant.
Genome position (GRCh38, 1-based): chrX:71,111,051, C>T on the plus strand (G>A on the coding strand, the complement: IL2RG is on the minus strand). VCF-style: chrX-71111051-C-T. GRCh37 (hg19) VCF-style: chrX-70330901-C-T.
Identifiers: ClinVar variation 1068066 (VCV001068066.9), dbSNP rs2147751144, ClinGen allele CA413497310.

ClinVar aggregate classification (germline): Pathogenic. Review status: reviewed by expert panel (3 of 4 stars). 2 submissions from 2 submitters: Pathogenic (1). 1 of the submissions does not count toward it. Last evaluated 2024-06-21.

Conditions:
X-linked severe combined immunodeficiency (SCIDX1). Also called: X-Linked Combined Immunodeficiency Diseases; IMMUNODEFICIENCY 4; SCID, X-LINKED; SEVERE COMBINED IMMUNODEFICIENCY, X-LINKED, T CELL-NEGATIVE, B CELL-POSITIVE, NK CELL-NEGATIVE; T-B+ severe combined immunodeficiency due to gamma chain deficiency. Identifiers: Orphanet 276, MedGen C6022468, MONDO:0010315, OMIM 300400. Disease mechanism: loss of function.

Submissions (2):

ClinGen Severe Combined Immunodeficiency Variant Curation Expert Panel, ClinGen
Classification: Pathogenic for X-linked severe combined immunodeficiency. Last evaluated: 2024-06-21. Review status: reviewed by expert panel. Criteria: ClinGen SCID ACMG Specifications IL2RG V1.0.0. Collection method: curation. Allele origin: germline. Inheritance: X-linked inheritance.
Comment: The c.116-1G>A (NM_000206.3) variant in IL2RG occurs within the canonical acceptor splice site (-1) of intron 1. The variant is predicted by SpliceAI to affect splicing. It is expected to cause skipping of a biologically relevant exon 2, resulting in a frameshift (p.Asp39Glyfs*57) leading to nonsense mediated decay in a gene in which loss of function is an established disease mechanism (PVS1). The variant is absent in gnomAD v4 (PM2_supporting). Patient with SCID (0.5 pt.) and whole exome sequencing conducted (1 pt.) (Total :1.5 pts.; PP4; PMID: 34093558) In summary, this variant meets the criteria to be classified as a Pathogenic variant for X-linked severe combined immunodeficiency due to IL2RG deficiency based on the ACMG/AMP criteria applied, as specified by the ClinGen SCID VCEP: PVS1, PM2_supporting,PP4 (VCEP specifications version 1).

Labcorp Genetics (formerly Invitae), Labcorp
Classification: Pathogenic for X-linked severe combined immunodeficiency. Last evaluated: 2025-09-02. Review status: criteria provided, single submitter. Criteria: Invitae Variant Classification Sherloc (09022015). Collection method: clinical testing. Allele origin: germline. Not counted in ClinVar's aggregate classification.
Comment: This sequence change affects an acceptor splice site in intron 1 of the IL2RG gene. It is expected to disrupt RNA splicing. Variants that disrupt the donor or acceptor splice site typically lead to a loss of protein function (PMID: 16199547), and loss-of-function variants in IL2RG are known to be pathogenic (PMID: 9058718, 10794430). This variant is not present in population databases (gnomAD no frequency). Disruption of this splice site has been observed in individuals with clinical features of severe combined immunodeficiency (PMID: 33628209; internal data). ClinVar contains an entry for this variant (Variation ID: 1068066). Algorithms developed to predict the effect of sequence changes on RNA splicing suggest that this variant may disrupt the consensus splice site. For these reasons, this variant has been classified as Pathogenic.

Literature cited by the submitters: PubMed 16199547 (cited by Labcorp Genetics (formerly Invitae), Labcorp); PubMed 9058718 (cited by Labcorp Genetics (formerly Invitae), Labcorp); PubMed 10794430 (cited by Labcorp Genetics (formerly Invitae), Labcorp); PubMed 33628209 (cited by Labcorp Genetics (formerly Invitae), Labcorp).